The following is an entry in ClinVar:

NM_058216.3(RAD51C):c.404+8_404+10delinsT

Gene: RAD51C (RAD51 paralog C; plus strand). Cytogenetic location: 17q22.
Variant type: Indel.
Coding change: c.404+8_404+10delinsT on transcript NM_058216.3 (MANE Select); bases 8 to 10 of the intron after coding-DNA position 404, AAA replaced by T.
Molecular consequence: intron variant. On other transcripts: 3 prime UTR variant (1), non-coding transcript variant (1).
Genome position (GRCh38, 1-based): chr17:58,695,197-58,695,199, AAA replaced by T. VCF-style: chr17-58695197-AAA-T. GRCh37 (hg19) VCF-style: chr17-56772558-AAA-T.
Other names: c.*4_*6delinsT (NM_002876.4).
Identifiers: ClinVar variation 3904501 (VCV003904501.1).

ClinVar aggregate classification (germline): Likely benign (1 of 4 stars; one submission).

Conditions:
Breast-ovarian cancer, familial, susceptibility to, 3. Also called: RAD51C-Related Breast/Ovarian Cancer. Identifiers: Orphanet 145, MedGen C3150659, MONDO:0013253, OMIM 613399.

Submission:

Myriad Genetics, Inc.
Classification: Likely benign for Breast-ovarian cancer, familial, susceptibility to, 3. Last evaluated: 2025-02-18. Review status: criteria provided, single submitter. Criteria: Myriad Autosomal Dominant, Autosomal Recessive and X-Linked Classification Criteria (2023). Collection method: clinical testing. Allele origin: unknown.
Comment: This variant is considered likely benign. This variant is intronic and is not expected to impact mRNA splicing.